The following is an entry in ClinVar:

ClinVar aggregate classification (germline): Uncertain significance. Review status: criteria provided, multiple submitters, no conflicts (2 of 4 stars). 2 submissions from 2 submitters: Uncertain significance (2). Last evaluated 2022-08-09.

Conditions:
VPS13A-related neurodegenerative disease. Also called: LEVINE-CRITCHLEY SYNDROME; Choreoacanthocytosis; ACANTHOCYTOSIS WITH NEUROLOGIC DISORDER; Chorea-acanthocytosis; Choreaacanthocytosis; VPS13A Disease. Identifiers: Orphanet 2388, MedGen C0393576, MONDO:0008695, OMIM 200150.

Allele frequency attached by ClinVar (database versions not stated): gnomAD 0.00001 and 0.00002; TOPMed 0.00001; ExAC 0.00002; gnomAD exomes 0.00002 and 0.00003.

Submissions (2):

Labcorp Genetics (formerly Invitae), Labcorp
Classification: Uncertain significance. Last evaluated: 2022-08-09. Review status: criteria provided, single submitter. Criteria: Invitae Variant Classification Sherloc (09022015). Collection method: clinical testing. Allele origin: germline.
Comment: This sequence change replaces threonine, which is neutral and polar, with asparagine, which is neutral and polar, at codon 1922 of the VPS13A protein (p.Thr1922Asn). This variant is present in population databases (rs769409983, gnomAD 0.004%). This variant has not been reported in the literature in individuals affected with VPS13A-related conditions. ClinVar contains an entry for this variant (Variation ID: 1028514). Algorithms developed to predict the effect of missense changes on protein structure and function (SIFT, PolyPhen-2, Align-GVGD) all suggest that this variant is likely to be tolerated. In summary, the available evidence is currently insufficient to determine the role of this variant in disease. Therefore, it has been classified as a Variant of Uncertain Significance.

Baylor Genetics
Classification: Uncertain significance for VPS13A-related neurodegenerative disease. Last evaluated: 2020-05-05. Review status: criteria provided, single submitter. Criteria: ACMG Guidelines, 2015. Collection method: clinical testing. Allele origin: unknown. Affected: yes.
Comment: This variant was determined to be of uncertain significance according to ACMG Guidelines, 2015 [PMID:25741868].

NM_033305.3(VPS13A):c.5765C>A (p.Thr1922Asn)

Gene: VPS13A (vacuolar protein sorting 13 homolog A; plus strand). Cytogenetic location: 9q21.2.
Variant type: single nucleotide variant.
Coding change: c.5765C>A on transcript NM_033305.3 (MANE Select); coding-DNA position 5765, C replaced by A.
Protein change: p.Thr1922Asn; replaces threonine 1922 with asparagine.
Molecular consequence: missense variant.
Genome position (GRCh38, 1-based): chr9:77,321,681, C>A. VCF-style: chr9-77321681-C-A. GRCh37 (hg19) VCF-style: chr9-79936597-C-A.
Other names: c.5648C>A, p.Thr1883Asn (NM_001018037.2); c.5765C>A, p.Thr1922Asn (NM_001018038.3, NM_015186.4); short protein forms T1922N, T1883N.
Identifiers: ClinVar variation 1028514 (VCV001028514.3), dbSNP rs769409983, ClinGen allele CA5092848.